The following is an entry in ClinVar:

ClinVar aggregate classification (germline): Likely benign. Review status: criteria provided, multiple submitters, no conflicts (2 of 4 stars). 5 submissions from 5 submitters: Likely benign (5). Last evaluated 2025-11-06.

Conditions:
Developmental and epileptic encephalopathy, 36 (DEE36). Also called: Congenital disorder of glycosylation, type Is; ALG13-CDG; Epileptic encephalopathy, early infantile, 36. Identifiers: Orphanet 324422, MedGen C4317295, MONDO:0010472, OMIM 300884.
Inborn genetic diseases. Identifiers: MedGen C0950123, MeSH D030342.

Allele frequency attached by ClinVar (database versions not stated): ExAC 0.00003; TOPMed 0.00003; gnomAD 0.00005; gnomAD exomes 0.00005.
gnomAD v4.1: 56 of 1,208,796 alleles (0.0046%); highest among the groups gnomAD compares: Middle Eastern, 0.046%; no homozygotes.

Submissions (5):

Labcorp Genetics (formerly Invitae), Labcorp
Classification: Likely benign for Developmental and epileptic encephalopathy, 36. Last evaluated: 2025-11-06. Review status: criteria provided, single submitter. Criteria: Invitae Variant Classification Sherloc (09022015). Collection method: clinical testing. Allele origin: germline.

Blueprint Genetics
Classification: Likely benign. Last evaluated: 2024-10-04. Review status: criteria provided, single submitter. Criteria: ACMG Guidelines, 2015. Collection method: clinical testing. Allele origin: germline.

CeGaT Center for Human Genetics Tuebingen
Classification: Likely benign. Last evaluated: 2023-04-01. Review status: criteria provided, single submitter. Criteria: CeGaT Center For Human Genetics Tuebingen Variant Classification Criteria Version 2. Collection method: clinical testing. Allele origin: germline. Affected: yes. Observed: 1 variant allele.
Comment: ALG13: BP4, BP7, BS2

Fulgent Genetics
Classification: Likely benign for Developmental and epileptic encephalopathy, 36. Last evaluated: 2021-11-13. Review status: criteria provided, single submitter. Criteria: ACMG Guidelines, 2015. Collection method: clinical testing. Allele origin: unknown.

Ambry Genetics
Classification: Likely benign for Inborn genetic diseases. Last evaluated: 2016-07-22. Review status: criteria provided, single submitter. Criteria: Ambry Variant Classification Scheme 2023. Collection method: clinical testing. Allele origin: germline.

NM_001099922.3(ALG13):c.3240A>G (p.Pro1080=)

Gene: ALG13 (ALG13 UDP-N-acetylglucosaminyltransferase subunit; plus strand). Cytogenetic location: Xq23.
Variant type: single nucleotide variant.
Coding change: c.3240A>G on transcript NM_001099922.3 (MANE Select); coding-DNA position 3240, A replaced by G.
Protein change: p.Pro1080=; no amino-acid change (proline 1080 retained).
Molecular consequence: synonymous variant. On other transcripts: non-coding transcript variant (1).
Genome position (GRCh38, 1-based): chrX:111,759,825, A>G. VCF-style: chrX-111759825-A-G. GRCh37 (hg19) VCF-style: chrX-111003053-A-G.
Other names: c.2691A>G, p.Pro897= (NM_001257230.2, NM_001257234.2, NM_001257237.2); c.3006A>G, p.Pro1002= (NM_001257231.2); c.3003A>G, p.Pro1001= (NM_001324292.2); c.2517A>G, p.Pro839= (NM_001324293.1).
Identifiers: ClinVar variation 473115 (VCV000473115.40), dbSNP rs773452673, ClinGen allele CA10494066.